The following is an entry in ClinVar:

NM_007294.4(BRCA1):c.594-5T>C

Gene: BRCA1 (BRCA1 DNA repair associated; minus strand). Cytogenetic location: 17q21.31.
Variant type: single nucleotide variant.
Coding change: c.594-5T>C on transcript NM_007294.4 (MANE Select); 5 bases into the intron before coding-DNA position 594, T replaced by C.
Molecular consequence: intron variant.
Genome position (GRCh38, 1-based): chr17:43,095,927, A>G on the plus strand (T>C on the coding strand, the complement: BRCA1 is on the minus strand). VCF-style: chr17-43095927-A-G. GRCh37 (hg19) VCF-style: chr17-41247944-A-G.
Other names: c.384-5T>C (NM_001408506.1, NM_001408481.1, NM_001408480.1 and 27 more transcripts); c.585-5T>C (NM_001408408.1, NM_001407647.1, NM_001407646.1); c.545-1067T>C (NM_001408446.1, NM_001408435.1, NM_001407691.1 and 20 more transcripts); c.453-5T>C (NM_001408458.1, NM_001408469.1, NM_001408453.1 and 43 more transcripts); c.591-5T>C (NM_001408401.1, NM_001408396.1, NM_001407985.1 and 41 more transcripts); c.-218-1067T>C (NM_001407967.1, NM_001407966.1); c.213-5T>C (NM_001407959.1, NM_001408510.1, NM_001407963.1 and 1 more transcripts); c.404-1067T>C (NM_001407931.1, NM_001407934.1, NM_001407932.1 and 5 more transcripts); and 17 more.
Identifiers: ClinVar variation 389171 (VCV000389171.5), dbSNP rs1057523350, ClinGen allele CA16608455.

ClinVar aggregate classification (germline): Conflicting classifications of pathogenicity. Review status: criteria provided, conflicting classifications (1 of 4 stars). 2 submissions from 2 submitters: Uncertain significance (1); Likely benign (1). Last evaluated 2019-11-01.

Conditions:
Hereditary cancer-predisposing syndrome. Also called: Hereditary Cancer Syndrome; Hereditary neoplastic syndrome; Neoplastic Syndromes, Hereditary; Tumor predisposition. Identifiers: Orphanet 140162, MedGen C0027672, MeSH D009386, MONDO:0015356.

Submissions (2):

Color Diagnostics, LLC DBA Color Health
Classification: Uncertain significance for Hereditary cancer-predisposing syndrome. Last evaluated: 2019-11-01. Review status: criteria provided, single submitter. Criteria: ACMG Guidelines, 2015. Collection method: clinical testing. Allele origin: germline.
Comment: This variant causes a T>C nucleotide substitution at the -5 position of intron 8 of the BRCA1 gene. To our knowledge, functional studies have not been performed for this variant. This variant has not been reported in individuals affected with hereditary cancer in the literature. This variant has not been identified in the general population by the Genome Aggregation Database (gnomAD). The available evidence is insufficient to determine the role of this variant in disease conclusively. Therefore, this variant is classified as a Variant of Uncertain Significance.

GeneDx
Classification: Likely benign. Last evaluated: 2016-09-06. Review status: criteria provided, single submitter. Criteria: GeneDx Variant Classification (06012015). Collection method: clinical testing. Allele origin: germline. Affected: yes.
Comment: This variant is considered likely benign or benign based on one or more of the following criteria: it is a conservative change, it occurs at a poorly conserved position in the protein, it is predicted to be benign by multiple in silico algorithms, and/or has population frequency not consistent with disease.